The following is an entry in ClinVar:

NM_032578.4(MYPN):c.3165A>G (p.Arg1055=)

Gene: MYPN (myopalladin; plus strand). Cytogenetic location: 10q21.3.
Variant type: single nucleotide variant.
Coding change: c.3165A>G on transcript NM_032578.4 (MANE Select); coding-DNA position 3165, A replaced by G.
Protein change: p.Arg1055=; no amino-acid change (arginine 1055 retained).
Molecular consequence: synonymous variant. On other transcripts: non-coding transcript variant (2).
Genome position (GRCh38, 1-based): chr10:68,197,358, A>G. VCF-style: chr10-68197358-A-G. GRCh37 (hg19) VCF-style: chr10-69957115-A-G.
Other names: c.3165A>G, p.Arg1055= (NM_001256267.2); c.2283A>G, p.Arg761= (NM_001256268.2).
Identifiers: ClinVar variation 3036337 (VCV003036337.4), dbSNP rs2043625770, ClinGen allele CA469812203.

ClinVar aggregate classification (germline): Likely benign. Review status: criteria provided, single submitter (1 of 4 stars). 2 submissions from 2 submitters: Likely benign (1). 1 of the submissions does not count toward it. Last evaluated 2024-11-27.

Conditions:
MYPN-related disorder. Also called: MYPN-related condition.
Dilated cardiomyopathy 1KK (CMD1KK). Identifiers: Orphanet 154, Orphanet 75249, MedGen C3714995, MONDO:0014100, OMIM 615248.

Allele frequency attached by ClinVar (database versions not stated): gnomAD exomes below 0.00001.
gnomAD v4.1: 5 of 1,613,580 alleles (0.00031%); highest among the groups gnomAD compares: Non-Finnish European, 0.00042%; no homozygotes.

Submissions (2):

Labcorp Genetics (formerly Invitae), Labcorp
Classification: Likely benign for Dilated cardiomyopathy 1KK. Last evaluated: 2024-11-27. Review status: criteria provided, single submitter. Criteria: Invitae Variant Classification Sherloc (09022015). Collection method: clinical testing. Allele origin: germline.

PreventionGenetics, part of Exact Sciences
Classification: Likely benign for MYPN-related condition. Last evaluated: 2020-08-01. Review status: no assertion criteria provided. Collection method: clinical testing. Allele origin: germline. Not counted in ClinVar's aggregate classification.
Comment: This variant is classified as likely benign based on ACMG/AMP sequence variant interpretation guidelines (Richards et al. 2015 PMID: 25741868, with internal and published modifications).